The following is an entry in ClinVar:

NM_000466.3(PEX1):c.3038G>C (p.Arg1013Pro)

Genes: PEX1 (peroxisomal biogenesis factor 1; minus strand), GATAD1 (GATA zinc finger domain containing 1; plus strand). Cytogenetic location: 7q21.2.
Variant type: single nucleotide variant.
Coding change: c.3038G>C on transcript NM_000466.3 (MANE Select); coding-DNA position 3038, G replaced by C.
Protein change: p.Arg1013Pro; replaces arginine 1013 with proline.
Molecular consequence: missense variant.
Genome position (GRCh38, 1-based): chr7:92,493,122, C>G on the plus strand (G>C on the coding strand, the complement: PEX1 is on the minus strand). VCF-style: chr7-92493122-C-G. GRCh37 (hg19) VCF-style: chr7-92122436-C-G.
Other names: c.2867G>C, p.Arg956Pro (NM_001282677.2); c.2414G>C, p.Arg805Pro (NM_001282678.2); short protein forms R805P, R1013P, R956P.
Identifiers: ClinVar variation 1464817 (VCV001464817.8), dbSNP rs1484321655, ClinGen allele CA368167097.

ClinVar aggregate classification (germline): Likely pathogenic (1 of 4 stars; one submission).

Conditions:
Zellweger spectrum disorders (ZS). Also called: Zellweger Spectrum Disorder (ZSD); Zellweger Spectrum Disorder; Zellweger Spectrum; Zellweger syndrome. Identifiers: Orphanet 912, MedGen C0043459, MONDO:0019609.

Allele frequency attached by ClinVar (database versions not stated): gnomAD 0.00001.
gnomAD v4.1: 1 of 1,589,648 alleles (0.000063%); highest among the groups gnomAD compares: Non-Finnish European, 0.000086%; no homozygotes.

Submission:

Labcorp Genetics (formerly Invitae), Labcorp
Classification: Likely pathogenic for Zellweger spectrum disorders. Last evaluated: 2023-08-06. Review status: criteria provided, single submitter. Criteria: Invitae Variant Classification Sherloc (09022015). Collection method: clinical testing. Allele origin: germline.
Comment: In summary, the currently available evidence indicates that the variant is pathogenic, but additional data are needed to prove that conclusively. Therefore, this variant has been classified as Likely Pathogenic. This variant disrupts the p.Arg1013 amino acid residue in PEX1. Other variant(s) that disrupt this residue have been determined to be pathogenic (PMID: 27124789, 30561787). This suggests that this residue is clinically significant, and that variants that disrupt this residue are likely to be disease-causing. Advanced modeling of protein sequence and biophysical properties (such as structural, functional, and spatial information, amino acid conservation, physicochemical variation, residue mobility, and thermodynamic stability) performed at Invitae indicates that this missense variant is expected to disrupt PEX1 protein function. ClinVar contains an entry for this variant (Variation ID: 1464817). This variant has not been reported in the literature in individuals affected with PEX1-related conditions. This variant is not present in population databases (gnomAD no frequency). This sequence change replaces arginine, which is basic and polar, with proline, which is neutral and non-polar, at codon 1013 of the PEX1 protein (p.Arg1013Pro).

Literature cited by the submitters: PubMed 27124789; PubMed 30561787.